The following is an entry in ClinVar:

ClinVar aggregate classification (germline): Uncertain significance (1 of 4 stars; one submission).

Submission:

Labcorp Genetics (formerly Invitae), Labcorp
Classification: Uncertain significance. Last evaluated: 2024-08-11. Review status: criteria provided, single submitter. Criteria: Invitae Variant Classification Sherloc (09022015). Collection method: clinical testing. Allele origin: germline.
Comment: This sequence change replaces arginine, which is basic and polar, with leucine, which is neutral and non-polar, at codon 479 of the SIAE protein (p.Arg479Leu). This variant is not present in population databases (gnomAD no frequency). This variant has not been reported in the literature in individuals affected with SIAE-related conditions. An algorithm developed to predict the effect of missense changes on protein structure and function (PolyPhen-2) suggests that this variant is likely to be disruptive. In summary, the available evidence is currently insufficient to determine the role of this variant in disease. Therefore, it has been classified as a Variant of Uncertain Significance.

NM_170601.5(SIAE):c.1436G>T (p.Arg479Leu)

Gene: SIAE (sialic acid acetylesterase; minus strand). Cytogenetic location: 11q24.2.
Variant type: single nucleotide variant.
Coding change: c.1436G>T on transcript NM_170601.5 (MANE Select); coding-DNA position 1436, G replaced by T.
Protein change: p.Arg479Leu; replaces arginine 479 with leucine.
Molecular consequence: missense variant.
Genome position (GRCh38, 1-based): chr11:124,637,087, C>A on the plus strand (G>T on the coding strand, the complement: SIAE is on the minus strand). VCF-style: chr11-124637087-C-A. GRCh37 (hg19) VCF-style: chr11-124506983-C-A.
Other names: c.1331G>T, p.Arg444Leu (NM_001199922.2); short protein forms R479L, R444L.
Identifiers: ClinVar variation 3691321 (VCV003691321.2).